The following is an entry in ClinVar:

NM_024649.5(BBS1):c.1125C>G (p.Ser375Arg)

Genes: BBS1 (Bardet-Biedl syndrome 1; plus strand), ZDHHC24 (zDHHC palmitoyltransferase 24; minus strand). Cytogenetic location: 11q13.2.
Variant type: single nucleotide variant.
Coding change: c.1125C>G on transcript NM_024649.5 (MANE Select); coding-DNA position 1125, C replaced by G.
Protein change: p.Ser375Arg; replaces serine 375 with arginine.
Molecular consequence: missense variant. On other transcripts: intron variant (1).
Genome position (GRCh38, 1-based): chr11:66,526,137, C>G. VCF-style: chr11-66526137-C-G. GRCh37 (hg19) VCF-style: chr11-66293608-C-G.
Other names: c.*21+799G>C (NM_001348571.2); short protein forms S375R.
Identifiers: ClinVar variation 585170 (VCV000585170.46), dbSNP rs1565287512, ClinGen allele CA381422148.

ClinVar aggregate classification (germline): Likely pathogenic. Review status: criteria provided, single submitter (1 of 4 stars). 2 submissions from 2 submitters: Likely pathogenic (1). 1 of the submissions does not count toward it. Last evaluated 2024-02-23.

Conditions:
Bardet-Biedl syndrome (BBS). Identifiers: Orphanet 110, MedGen C0752166, MONDO:0015229.

Allele frequency attached by ClinVar (database versions not stated): gnomAD exomes below 0.00001.
gnomAD v4.1: 1 of 1,614,232 alleles (0.000062%); highest among the groups gnomAD compares: South Asian, 0.0011%; no homozygotes.

Submissions (2):

Labcorp Genetics (formerly Invitae), Labcorp
Classification: Likely pathogenic for Bardet-Biedl syndrome. Last evaluated: 2024-02-23. Review status: criteria provided, single submitter. Criteria: Invitae Variant Classification Sherloc (09022015). Collection method: clinical testing. Allele origin: germline.
Comment: This sequence change replaces serine, which is neutral and polar, with arginine, which is basic and polar, at codon 375 of the BBS1 protein (p.Ser375Arg). This variant is not present in population databases (gnomAD no frequency). This missense change has been observed in individual(s) with clinical features of BBS1-related conditions (PMID: 30614526; Invitae). In at least one individual the data is consistent with being in trans (on the opposite chromosome) from a pathogenic variant. ClinVar contains an entry for this variant (Variation ID: 585170). Advanced modeling of protein sequence and biophysical properties (such as structural, functional, and spatial information, amino acid conservation, physicochemical variation, residue mobility, and thermodynamic stability) performed at Invitae indicates that this missense variant is not expected to disrupt BBS1 protein function with a negative predictive value of 80%. In summary, the currently available evidence indicates that the variant is pathogenic, but additional data are needed to prove that conclusively. Therefore, this variant has been classified as Likely Pathogenic.

Laboratory of Medical Genetics (UMR_S 1112), INSERM/Strasbourg University
Classification: Pathogenic for Bardet-Biedl syndrome. Last evaluated: 2018-09-15. Review status: no assertion criteria provided. Collection method: provider interpretation. Allele origin: germline. Affected: yes. Study: French fetal BBS cohort. Not counted in ClinVar's aggregate classification.

Literature cited by the submitters: PubMed 30614526 (cited by Labcorp Genetics (formerly Invitae), Labcorp and Laboratory of Medical Genetics (UMR_S 1112), INSERM/Strasbourg University).